The following is an entry in ClinVar:

ClinVar aggregate classification (germline): Uncertain significance (1 of 4 stars; one submission).

Conditions:
SEMA3F-related disorder. Also called: SEMA3F-related condition.

Submission:

PreventionGenetics, part of Exact Sciences
Classification: Uncertain significance for SEMA3F-related condition. Last evaluated: 2024-11-15. Review status: criteria provided, single submitter. Criteria: ACMG Guidelines, 2015. Collection method: clinical testing. Allele origin: germline.
Comment: The SEMA3F c.1438G>C variant is predicted to result in the amino acid substitution p.Val480Leu. To our knowledge, this variant has not been reported in the literature or in a large population database (gnomAD), indicating this variant is rare. At this time, the clinical significance of this variant is uncertain due to the absence of conclusive functional and genetic evidence.

NM_004186.5(SEMA3F):c.1438G>C (p.Val480Leu)

Gene: SEMA3F (semaphorin 3F; plus strand). Cytogenetic location: 3p21.31.
Variant type: single nucleotide variant.
Coding change: c.1438G>C on transcript NM_004186.5 (MANE Select); coding-DNA position 1438, G replaced by C.
Protein change: p.Val480Leu; replaces valine 480 with leucine.
Molecular consequence: missense variant.
Genome position (GRCh38, 1-based): chr3:50,184,796, G>C. VCF-style: chr3-50184796-G-C. GRCh37 (hg19) VCF-style: chr3-50222229-G-C.
Other names: c.1141G>C, p.Val381Leu (NM_001318798.2); c.1345G>C, p.Val449Leu (NM_001318800.2); short protein forms V381L, V449L, V480L.
Identifiers: ClinVar variation 4998341 (VCV004998341.1).
Genomic context (GRCh38, chr3:50,184,796, plus strand): 5'-CCCTACCGCCTTACCACTATTGCCGTGGACCAGGTGGATGCAGCCGACGGGCGCTATGAG[G>C]TGCTTTTCCTGGGCACAGGTACCCACTGCTGCTCCCGGCCTCTCCCACGCTGGGCCCACC-3'
Protein context (NP_004177.3, residues 470-490): QVDAADGRYE[Val480Leu]LFLGTDRGTV